The following is an entry in ClinVar:

ClinVar aggregate classification (germline): Benign/Likely benign. Review status: criteria provided, multiple submitters, no conflicts (2 of 4 stars). 8 submissions from 8 submitters: Benign (1); Likely benign (7). Last evaluated 2025-10-06.

Conditions:
Hereditary cancer-predisposing syndrome. Also called: Hereditary neoplastic syndrome; Neoplastic Syndromes, Hereditary; Tumor predisposition; Hereditary Cancer Syndrome. Identifiers: Orphanet 140162, MedGen C0027672, MeSH D009386, MONDO:0015356.
Hereditary nonpolyposis colorectal neoplasms. Identifiers: MedGen C0009405, MeSH D003123.
Lynch syndrome. Identifiers: Orphanet 144, MedGen C4552100, MONDO:0005835. Disease mechanism: loss of function.
Lynch syndrome 5 (LYNCH5). Also called: Colorectal cancer, hereditary nonpolyposis, type 5; Hereditary non-polyposis colorectal cancer, type 5. Identifiers: Orphanet 144, MedGen C1833477, MONDO:0013710, OMIM 614350. Disease mechanism: loss of function.

Allele frequency attached by ClinVar (database versions not stated): gnomAD exomes below 0.00001 and 0.00001; ExAC 0.00001.

Submissions (8):

Labcorp Genetics (formerly Invitae), Labcorp
Classification: Likely benign for Hereditary nonpolyposis colorectal neoplasms. Last evaluated: 2025-10-06. Review status: criteria provided, single submitter. Criteria: Invitae Variant Classification Sherloc (09022015). Collection method: clinical testing. Allele origin: germline.

Myriad Genetics, Inc.
Classification: Benign for Lynch syndrome 5. Last evaluated: 2025-01-02. Review status: criteria provided, single submitter. Criteria: Myriad Autosomal Dominant, Autosomal Recessive and X-Linked Classification Criteria (2023). Collection method: clinical testing. Allele origin: unknown.
Comment: This variant is considered benign. This variant is a silent/synonymous amino acid change and it is not expected to impact splicing.

All of Us Research Program, National Institutes of Health
Classification: Likely benign for Lynch syndrome. Last evaluated: 2023-12-13. Review status: criteria provided, single submitter. Criteria: ACMG Guidelines, 2015. Collection method: clinical testing. Allele origin: germline. Inheritance: Autosomal dominant inheritance. Observed: 2 variant alleles, 2 heterozygotes.
Comment: This study involves interpretation of variants in research participants for the purpose of population health screening. Participant phenotype was not available at the time of variant classification. Additional details can be found in publication PMID: 35346344, PMCID: PMC8962531

Quest Diagnostics Nichols Institute San Juan Capistrano
Classification: Likely benign. Last evaluated: 2023-06-04. Review status: criteria provided, single submitter. Criteria: Quest Diagnostics criteria. Collection method: clinical testing. Allele origin: unknown.

Sema4
Classification: Likely benign for Hereditary cancer-predisposing syndrome. Last evaluated: 2021-12-17. Review status: criteria provided, single submitter. Criteria: Sema4 Curation Guidelines. Collection method: curation. Allele origin: germline.

Women's Health and Genetics/Laboratory Corporation of America, LabCorp
Classification: Likely benign. Last evaluated: 2021-10-25. Review status: criteria provided, single submitter. Criteria: LabCorp Variant Classification Summary - May 2015. Collection method: clinical testing. Allele origin: germline.

Ambry Genetics
Classification: Likely benign for Hereditary cancer-predisposing syndrome. Last evaluated: 2016-07-13. Review status: criteria provided, single submitter. Criteria: Ambry Variant Classification Scheme 2023. Collection method: clinical testing. Allele origin: germline.

Color Diagnostics, LLC DBA Color Health
Classification: Likely benign for Hereditary cancer-predisposing syndrome. Last evaluated: 2015-11-25. Review status: criteria provided, single submitter. Criteria: ACMG Guidelines, 2015. Collection method: clinical testing. Allele origin: germline.

NM_000179.3(MSH6):c.2682G>A (p.Gln894=)

Gene: MSH6 (mutS homolog 6; plus strand). Cytogenetic location: 2p16.3.
Variant type: single nucleotide variant.
Coding change: c.2682G>A on transcript NM_000179.3 (MANE Select); coding-DNA position 2682, G replaced by A.
Protein change: p.Gln894=; no amino-acid change (glutamine 894 retained).
Molecular consequence: synonymous variant.
Genome position (GRCh38, 1-based): chr2:47,800,665, G>A. VCF-style: chr2-47800665-G-A. GRCh37 (hg19) VCF-style: chr2-48027804-G-A.
Other names: c.2292G>A, p.Gln764= (NM_001281492.2); c.1776G>A, p.Gln592= (NM_001281493.2, NM_001281494.2).
Identifiers: ClinVar variation 215647 (VCV000215647.24), dbSNP rs756239543, ClinGen allele CA069432.